The following is an entry in ClinVar:

NM_005228.5(EGFR):c.77A>G (p.Glu26Gly)

Gene: EGFR (epidermal growth factor receptor; plus strand). Cytogenetic location: 7p11.2.
Variant type: single nucleotide variant.
Coding change: c.77A>G on transcript NM_005228.5 (MANE Select); coding-DNA position 77, A replaced by G.
Protein change: p.Glu26Gly; replaces glutamic acid 26 with glycine.
Molecular consequence: missense variant.
Genome position (GRCh38, 1-based): chr7:55,019,354, A>G. VCF-style: chr7-55019354-A-G. GRCh37 (hg19) VCF-style: chr7-55087047-A-G.
Other names: c.77A>G, p.Glu26Gly (NM_001346897.2, NM_001346898.2, NM_001346899.2 and 4 more transcripts); short protein forms E26G.
Identifiers: ClinVar variation 1943287 (VCV001943287.5), dbSNP rs2128853534, ClinGen allele CA367611297.
Genomic context (GRCh38, chr7:55,019,354, plus strand): 5'-CGGCCGGGGCAGCGCTCCTGGCGCTGCTGGCTGCGCTCTGCCCGGCGAGTCGGGCTCTGG[A>G]GGAAAAGAAAGGTAAGGGCGTGTCTCGCCGGCTCCCGCGCCGCCCCCGGATCGCGCCCCG-3'
Protein context (NP_005219.2, residues 16-36): AALCPASRAL[Glu26Gly]EKKVCQGTSN

ClinVar aggregate classification (germline): Uncertain significance (1 of 4 stars; one submission).

Conditions:
EGFR-related lung cancer (EGFR). Identifiers: MedGen CN130014.

Submission:

Labcorp Genetics (formerly Invitae), Labcorp
Classification: Uncertain significance for EGFR-related lung cancer. Last evaluated: 2024-04-22. Review status: criteria provided, single submitter. Criteria: Invitae Variant Classification Sherloc (09022015). Collection method: clinical testing. Allele origin: germline.
Comment: This sequence change replaces glutamic acid, which is acidic and polar, with glycine, which is neutral and non-polar, at codon 26 of the EGFR protein (p.Glu26Gly). This variant is not present in population databases (gnomAD no frequency). This variant has not been reported in the literature in individuals affected with EGFR-related conditions. ClinVar contains an entry for this variant (Variation ID: 1943287). An algorithm developed to predict the effect of missense changes on protein structure and function (PolyPhen-2) suggests that this variant is likely to be tolerated. In summary, the available evidence is currently insufficient to determine the role of this variant in disease. Therefore, it has been classified as a Variant of Uncertain Significance.